The following is an entry in ClinVar:

NM_032242.4(PLXNA1):c.3517-1G>T

Gene: PLXNA1 (plexin A1; plus strand). Cytogenetic location: 3q21.3.
Variant type: single nucleotide variant.
Coding change: c.3517-1G>T on transcript NM_032242.4 (MANE Select); the canonical splice acceptor site of the intron before coding-DNA position 3517, G replaced by T.
Molecular consequence: splice acceptor variant.
Genome position (GRCh38, 1-based): chr3:127,017,748, G>T. VCF-style: chr3-127017748-G-T. GRCh37 (hg19) VCF-style: chr3-126736591-G-T.
Identifiers: ClinVar variation 3350213 (VCV003350213.1).
Genomic context (GRCh38, chr3:127,017,748, plus strand): 5'-TGGGCCAAGCCAGGGAAGAGGCCCCTCGTCCTGGGCTCTGGCTCACCCCCATCTCCTACA[G>T]GGCCGGAACCTCTTGCCACCTGCACCCGGCAACTCCCGACTCAACTACACGGTGCTCATC-3'

ClinVar aggregate classification (germline): Uncertain significance (0 of 4 stars; one submission).

Conditions:
PLXNA1-related disorder. Also called: PLXNA1-related condition.

Submission:

PreventionGenetics, part of Exact Sciences
Classification: Uncertain significance for PLXNA1-related condition. Last evaluated: 2023-10-27. Review status: no assertion criteria provided. Collection method: clinical testing. Allele origin: germline.
Comment: The PLXNA1 c.3517-1G>T variant is predicted to disrupt the AG splice acceptor site and interfere with normal splicing. If this variant change results in exon skipping, this may lead to an in-frame deletion of 48 amino acids. To our knowledge, this variant has not been reported in the literature or in a large population database, indicating this variant is rare. At this time, the clinical significance of this variant is uncertain due to the absence of conclusive functional and genetic evidence.